The following is an entry in ClinVar:

NM_004958.4(MTOR):c.3373C>G (p.Pro1125Ala)

Gene: MTOR (mechanistic target of rapamycin kinase; minus strand). Cytogenetic location: 1p36.22.
Variant type: single nucleotide variant.
Coding change: c.3373C>G on transcript NM_004958.4 (MANE Select); coding-DNA position 3373, C replaced by G.
Protein change: p.Pro1125Ala; replaces proline 1125 with alanine.
Molecular consequence: missense variant.
Genome position (GRCh38, 1-based): chr1:11,212,821, G>C on the plus strand (C>G on the coding strand, the complement: MTOR is on the minus strand). VCF-style: chr1-11212821-G-C. GRCh37 (hg19) VCF-style: chr1-11272878-G-C.
Other names: c.3373C>G, p.Pro1125Ala (NM_001386500.1); c.2125C>G, p.Pro709Ala (NM_001386501.1); short protein forms P1125A, P709A.
Identifiers: ClinVar variation 4688470 (VCV004688470.1).

ClinVar aggregate classification (germline): Uncertain significance (1 of 4 stars; one submission).

gnomAD v4.1: 3 of 1,614,008 alleles (0.00019%); highest among the groups gnomAD compares: Middle Eastern, 0.016%; no homozygotes.

Submission:

Women's Health and Genetics/Laboratory Corporation of America, LabCorp
Classification: Uncertain significance. Last evaluated: 2025-12-09. Review status: criteria provided, single submitter. Criteria: LabCorp Variant Classification Summary - May 2015. Collection method: clinical testing. Allele origin: germline.
Comment: Variant summary: MTOR c.3373C>G (p.Pro1125Ala) results in a non-conservative amino acid change in the encoded protein sequence. Algorithms developed to predict the effect of missense changes on protein structure and function are either unavailable or do not agree on the potential impact of this missense change. The variant allele was found at a frequency of 4e-06 in 251402 control chromosomes. The available data on variant occurrences in the general population are insufficient to allow any conclusion about variant significance. To our knowledge, no occurrence of c.3373C>G in individuals affected with MTOR-related conditions and no experimental evidence demonstrating its impact on protein function have been reported. No submitters have cited clinical-significance assessments for this variant to ClinVar. Based on the evidence outlined above, the variant was classified as uncertain significance.